The following is an entry in ClinVar:

NM_002691.4(POLD1):c.2122G>A (p.Val708Met)

Gene: POLD1 (DNA polymerase delta 1, catalytic subunit; plus strand). Cytogenetic location: 19q13.33.
Variant type: single nucleotide variant.
Coding change: c.2122G>A on transcript NM_002691.4 (MANE Select); coding-DNA position 2122, G replaced by A.
Protein change: p.Val708Met; replaces valine 708 with methionine.
Molecular consequence: missense variant. On other transcripts: non-coding transcript variant (1).
Genome position (GRCh38, 1-based): chr19:50,409,634, G>A. VCF-style: chr19-50409634-G-A. GRCh37 (hg19) VCF-style: chr19-50912891-G-A.
Other names: c.2122G>A, p.Val708Met (NM_001256849.1); c.2200G>A, p.Val734Met (NM_001308632.1); short protein forms V708M, V734M.
Identifiers: ClinVar variation 408093 (VCV000408093.16), dbSNP rs1060501847, ClinGen allele CA16616387.

ClinVar aggregate classification (germline): Uncertain significance. Review status: criteria provided, multiple submitters, no conflicts (2 of 4 stars). 3 submissions from 3 submitters: Uncertain significance (3). Last evaluated 2025-12-22.

Conditions:
POLD1-related polyposis and colorectal cancer syndrome (CRCS10). Also called: Colorectal cancer, susceptibility to, 10; Colorectal cancer 10; COLORECTAL CANCER, SUSCEPTIBILITY TO, ON CHROMOSOME 19q. Identifiers: Orphanet 220460, MedGen C2675481, MONDO:0012953, OMIM 612591.
Hereditary cancer-predisposing syndrome. Also called: Neoplastic Syndromes, Hereditary; Hereditary neoplastic syndrome; Hereditary Cancer Syndrome; Tumor predisposition. Identifiers: Orphanet 140162, MedGen C0027672, MeSH D009386, MONDO:0015356.

Allele frequency attached by ClinVar (database versions not stated): gnomAD 0.00001; TOPMed 0.00001.
gnomAD v4.1: 3 of 1,607,434 alleles (0.00019%); highest among the groups gnomAD compares: African/African-American, 0.004%; no homozygotes.

Submissions (3):

Labcorp Genetics (formerly Invitae), Labcorp
Classification: Uncertain significance for POLD1-related polyposis and colorectal cancer syndrome. Last evaluated: 2025-12-22. Review status: criteria provided, single submitter. Criteria: Invitae Variant Classification Sherloc (09022015). Collection method: clinical testing. Allele origin: germline.
Comment: This sequence change replaces valine, which is neutral and non-polar, with methionine, which is neutral and non-polar, at codon 708 of the POLD1 protein (p.Val708Met). This variant is not present in population databases (gnomAD no frequency). This variant has not been reported in the literature in individuals affected with POLD1-related conditions. ClinVar contains an entry for this variant (Variation ID: 408093). Invitae Evidence Modeling of protein sequence and biophysical properties (such as structural, functional, and spatial information, amino acid conservation, physicochemical variation, residue mobility, and thermodynamic stability) indicates that this missense variant is not expected to disrupt POLD1 protein function with a negative predictive value of 80%. In summary, the available evidence is currently insufficient to determine the role of this variant in disease. Therefore, it has been classified as a Variant of Uncertain Significance.

GeneDx
Classification: Uncertain significance. Last evaluated: 2024-09-15. Review status: criteria provided, single submitter. Criteria: GeneDx Variant Classification Process June 2021. Collection method: clinical testing. Allele origin: germline. Affected: yes.
Comment: Not observed at significant frequency in large population cohorts (gnomAD); In silico analysis supports that this missense variant has a deleterious effect on protein structure/function; Has not been previously published as pathogenic or benign to our knowledge; This variant is associated with the following publications: (PMID: 20951805)

Ambry Genetics
Classification: Uncertain significance for Hereditary cancer-predisposing syndrome. Last evaluated: 2024-03-16. Review status: criteria provided, single submitter. Criteria: Ambry Variant Classification Scheme 2023. Collection method: clinical testing. Allele origin: germline.
Comment: The p.V708M variant (also known as c.2122G>A), located in coding exon 16 of the POLD1 gene, results from a G to A substitution at nucleotide position 2122. The valine at codon 708 is replaced by methionine, an amino acid with highly similar properties. This amino acid position is conserved. In addition, the in silico prediction for this alteration is inconclusive. Since supporting evidence is limited at this time, the clinical significance of this alteration remains unclear.